The following is an entry in ClinVar:

ClinVar aggregate classification (germline): Uncertain significance (1 of 4 stars; one submission).

Allele frequency attached by ClinVar (database versions not stated): TOPMed 0.00001.

Submission:

Labcorp Genetics (formerly Invitae), Labcorp
Classification: Uncertain significance. Last evaluated: 2023-09-25. Review status: criteria provided, single submitter. Criteria: Invitae Variant Classification Sherloc (09022015). Collection method: clinical testing. Allele origin: germline.
Comment: In summary, the available evidence is currently insufficient to determine the role of this variant in disease. Therefore, it has been classified as a Variant of Uncertain Significance. An algorithm developed to predict the effect of missense changes on protein structure and function (PolyPhen-2) suggests that this variant is likely to be tolerated. This variant has not been reported in the literature in individuals affected with ALPK3-related conditions. This variant is not present in population databases (gnomAD no frequency). This sequence change replaces alanine, which is neutral and non-polar, with threonine, which is neutral and polar, at codon 165 of the ALPK3 protein (p.Ala165Thr).

NC_000015.10:g.84817339G>A

Gene: ALPK3 (alpha kinase 3; plus strand). Cytogenetic location: 15q25.3.
Variant type: single nucleotide variant.
Genome position: GRCh38 VCF-style: chr15-84817339-G-A. GRCh37 (hg19) VCF-style: chr15-85360570-G-A.
Identifiers: ClinVar variation 3012104 (VCV003012104.3), dbSNP rs1963370826, ClinGen allele CA393369025.
Genomic context (GRCh38, chr15:84,817,339, plus strand): 5'-AGGCCAGGGGAGGGACAGCAGCAGGTGACGACGGCCCGGCCACCGGCTATAAATAGGGGC[G>A]CGCGTCAGCCGCGGGCGGGAGCGGCGGCGGCGGGCAGGGGCCCGGGGGCCGGGGCCTGGA-3'